The following is an entry in ClinVar:

NM_001276270.2(MBD4):c.1544-15T>A

Gene: MBD4 (methyl-CpG binding domain 4, DNA glycosylase; minus strand). Cytogenetic location: 3q21.3.
Variant type: single nucleotide variant.
Coding change: c.1544-15T>A on transcript NM_001276270.2 (MANE Select); 15 bases into the intron before coding-DNA position 1544, T replaced by A.
Molecular consequence: intron variant.
Genome position (GRCh38, 1-based): chr3:129,432,621, A>T on the plus strand (T>A on the coding strand, the complement: MBD4 is on the minus strand). VCF-style: chr3-129432621-A-T. GRCh37 (hg19) VCF-style: chr3-129151464-A-T.
Other names: c.608-15T>A (NM_001276273.2); c.1562-15T>A (NM_001276272.2, NM_003925.3, NM_001276271.2).
Identifiers: ClinVar variation 4733230 (VCV004733230.1).
Genomic context (GRCh38, chr3:129,432,621, plus strand): 5'-CCATGAAGCTCAATTGGATACTTCCACTGCTTTGTCAGGTATTCATCTGAAGAATACAAC[A>T]TCCCACATTATCAGGTCAGCTTCTAAAGACACCCTCCCAAAATGTGTGGTGATGGGGCAG-3'

ClinVar aggregate classification (germline): Uncertain significance (1 of 4 stars; one submission).

gnomAD v4.1: 1 of 1,612,994 alleles (0.000062%); highest among the groups gnomAD compares: Non-Finnish European, 0.000085%; no homozygotes.

Submission:

Labcorp Genetics (formerly Invitae), Labcorp
Classification: Uncertain significance. Last evaluated: 2025-12-15. Review status: criteria provided, single submitter. Criteria: Invitae Variant Classification Sherloc (09022015). Collection method: clinical testing. Allele origin: germline.
Comment: This sequence change falls in intron 6 of the MBD4 gene. It does not directly change the encoded amino acid sequence of the MBD4 protein. This variant is not present in population databases (gnomAD no frequency). This variant has not been reported in the literature in individuals affected with MBD4-related conditions. Algorithms developed to predict the effect of sequence changes on RNA splicing suggest that this variant may disrupt the consensus splice site. In summary, the available evidence is currently insufficient to determine the role of this variant in disease. Therefore, it has been classified as a Variant of Uncertain Significance.